The following is an entry in ClinVar:

ClinVar aggregate classification (germline): Likely benign. Review status: criteria provided, multiple submitters, no conflicts (2 of 4 stars). 2 submissions from 2 submitters: Likely benign (2). Last evaluated 2024-11-21.

Submissions (2):

Blueprint Genetics
Classification: Likely benign. Last evaluated: 2024-11-21. Review status: criteria provided, single submitter. Criteria: ACMG Guidelines, 2015. Collection method: clinical testing. Allele origin: germline.

CeGaT Center for Human Genetics Tuebingen
Classification: Likely benign. Last evaluated: 2024-10-01. Review status: criteria provided, single submitter. Criteria: CeGaT Center For Human Genetics Tuebingen Variant Classification Criteria Version 2. Collection method: clinical testing. Allele origin: germline. Affected: yes. Observed: 1 variant allele.
Comment: EN1: BP4, BP7, BS2

NM_001426.4(EN1):c.603G>C (p.Ala201=)

Gene: EN1 (engrailed homeobox 1; minus strand). Cytogenetic location: 2q14.2.
Variant type: single nucleotide variant.
Coding change: c.603G>C on transcript NM_001426.4 (MANE Select); coding-DNA position 603, G replaced by C.
Protein change: p.Ala201=; no amino-acid change (alanine 201 retained).
Molecular consequence: synonymous variant.
Genome position (GRCh38, 1-based): chr2:118,846,565, C>G on the plus strand (G>C on the coding strand, the complement: EN1 is on the minus strand). VCF-style: chr2-118846565-C-G. GRCh37 (hg19) VCF-style: chr2-119604141-C-G.
Identifiers: ClinVar variation 3388064 (VCV003388064.15).